The following is an entry in ClinVar:

NM_000521.4(HEXB):c.-126C>T

Gene: HEXB (hexosaminidase subunit beta; plus strand). Cytogenetic location: 5q13.3.
Variant type: single nucleotide variant.
Coding change: c.-126C>T on transcript NM_000521.4 (MANE Select); 126 bases upstream of the start codon, C replaced by T.
Molecular consequence: genic upstream transcript variant. On other transcripts: intron variant (1).
Genome position (GRCh38, 1-based): chr5:74,685,135, C>T. VCF-style: chr5-74685135-C-T. GRCh37 (hg19) VCF-style: chr5-73980960-C-T.
Other names: c.-376-4193C>T (NM_001292004.2).
Identifiers: ClinVar variation 369506 (VCV000369506.15), dbSNP rs71627068, ClinGen allele CA10654687.
Genomic context (GRCh38, chr5:74,685,135, plus strand): 5'-TGACCTGGACAGGGCGGGCTGGGCGAGGACGCTCCCGGGGCCTGGAGGCGGAGTCGGGGG[C>T]GGGCGCGCGCAGTCATCTGACTCGGTGACTCACCCGCGGCCGCGCTTCCTCTGATCCGGG-3'

ClinVar aggregate classification (germline): Benign. Review status: criteria provided, multiple submitters, no conflicts (2 of 4 stars). 4 submissions from 4 submitters: Benign (3). 1 of the submissions does not count toward it. Last evaluated 2026-02-04.

Conditions:
Sandhoff disease. Also called: Beta-hexosaminidase-beta-subunit deficiency; GM2 gangliosidosis, type 2; Total hexosaminidase deficiency; Sandhoff-Jatzkewitz-Pilz disease; GM2-GANGLIOSIDOSIS, TYPE II; HEXOSAMINIDASES A AND B DEFICIENCY. Identifiers: Orphanet 796, MedGen C0036161, MONDO:0010006, OMIM 268800.

Allele frequency attached by ClinVar (database versions not stated): 1000 Genomes Project 30x 0.50859; 1000 Genomes Project 0.51038; TOPMed 0.53140; gnomAD 0.55090 and 0.55186; gnomAD exomes 0.56733.
gnomAD v4.1: 594,357 of 1,052,904 alleles (56%); highest among the groups gnomAD compares: Middle Eastern, 59%; 169,446 homozygotes.

Submissions (4):

Labcorp Genetics (formerly Invitae), Labcorp
Classification: Benign for Sandhoff disease. Last evaluated: 2026-02-04. Review status: criteria provided, single submitter. Criteria: Invitae Variant Classification Sherloc (09022015). Collection method: clinical testing. Allele origin: germline.

GeneDx
Classification: Benign. Last evaluated: 2018-06-19. Review status: criteria provided, single submitter. Criteria: GeneDx Variant Classification (06012015). Collection method: clinical testing. Allele origin: germline. Affected: yes.
Comment: This variant is considered likely benign or benign based on one or more of the following criteria: it is a conservative change, it occurs at a poorly conserved position in the protein, it is predicted to be benign by multiple in silico algorithms, and/or has population frequency not consistent with disease.

Breakthrough Genomics
Classification: Benign. Review status: criteria provided, single submitter. Criteria: ACMG Guidelines, 2015. Collection method: not provided. Allele origin: germline. Inheritance: Autosomal recessive inheritance. Affected: yes.

Natera, Inc.
Classification: Benign for Sandhoff disease. Last evaluated: 2020-09-16. Review status: no assertion criteria provided. Collection method: clinical testing. Allele origin: germline. Not counted in ClinVar's aggregate classification.